The following is an entry in ClinVar:

ClinVar aggregate classification (germline): Likely benign (1 of 4 stars; one submission).

Allele frequency attached by ClinVar (database versions not stated): ExAC 0.00008; TOPMed 0.00015; gnomAD 0.00023.
gnomAD v4.1: 340 of 1,560,464 alleles (0.022%); highest among the groups gnomAD compares: Non-Finnish European, 0.029%; no homozygotes.

Submission:

CeGaT Center for Human Genetics Tuebingen
Classification: Likely benign. Last evaluated: 2024-05-01. Review status: criteria provided, single submitter. Criteria: CeGaT Center For Human Genetics Tuebingen Variant Classification Criteria Version 2. Collection method: clinical testing. Allele origin: germline. Affected: yes. Observed: 1 variant allele.
Comment: TCF7L2: BP4, BP7

NM_001367943.1(TCF7L2):c.1815G>C (p.Gly605=)

Gene: TCF7L2 (transcription factor 7 like 2; plus strand). Cytogenetic location: 10q25.3.
Variant type: single nucleotide variant.
Coding change: c.1815G>C on transcript NM_001367943.1 (MANE Select); coding-DNA position 1815, G replaced by C.
Protein change: p.Gly605=; no amino-acid change (glycine 605 retained).
Molecular consequence: synonymous variant. On other transcripts: 3 prime UTR variant (12).
Genome position (GRCh38, 1-based): chr10:113,165,927, G>C. VCF-style: chr10-113165927-G-C. GRCh37 (hg19) VCF-style: chr10-114925686-G-C.
Other names: c.1764G>C, p.Gly588= (NM_001146274.2); c.*293G>C (NM_001146283.2, NM_001146284.2, NM_001146286.2 and 4 more transcripts); c.1695G>C, p.Gly565= (NM_001146285.2, NM_001198526.2); c.*403G>C (NM_001198525.2); c.*391G>C (NM_001198527.2, NM_001198528.2, NM_001349870.2 and 1 more transcripts); c.1746G>C, p.Gly582= (NM_030756.5).
Identifiers: ClinVar variation 3239262 (VCV003239262.19), dbSNP rs760212486.